The following is an entry in ClinVar:

NM_001399.5(EDA):c.164T>A (p.Leu55Gln)

Gene: EDA (ectodysplasin A; plus strand). Cytogenetic location: Xq13.1.
Variant type: single nucleotide variant.
Coding change: c.164T>A on transcript NM_001399.5 (MANE Select); coding-DNA position 164, T replaced by A.
Protein change: p.Leu55Gln; replaces leucine 55 with glutamine.
Molecular consequence: missense variant.
Genome position (GRCh38, 1-based): chrX:69,616,472, T>A. VCF-style: chrX-69616472-T-A. GRCh37 (hg19) VCF-style: chrX-68836316-T-A.
Other names: c.164T>A, p.Leu55Gln (NM_001005609.2, NM_001005610.4, NM_001005612.3 and 1 more transcripts); short protein forms L55Q.
Identifiers: ClinVar variation 44188 (VCV000044188.4), dbSNP rs397516657, ClinGen allele CA261482.

ClinVar aggregate classification (germline): Likely pathogenic (1 of 4 stars; one submission).

Conditions:
Hypohidrotic X-linked ectodermal dysplasia (XHED). Also called: Anhidrotic ectodermal dysplasia X-linked; Christ Siemens Touraine syndrome; ECTODERMAL DYSPLASIA 1, HYPOHIDROTIC, X-LINKED; ECTODERMAL DYSPLASIA 1, HYPOHIDROTIC/HAIR/TOOTH TYPE, X-LINKED; ECTODERMAL DYSPLASIA, HYPOHIDROTIC, 1; CST SYNDROME. Identifiers: Orphanet 181, Orphanet 238468, MedGen C0162359, MONDO:0010585, OMIM 305100.

Submission:

Laboratory for Molecular Medicine, Mass General Brigham Personalized Medicine
Classification: Likely pathogenic for Hypohidrotic X-linked ectodermal dysplasia. Last evaluated: 2011-07-22. Review status: criteria provided, single submitter. Criteria: LMM Criteria. Collection method: clinical testing. Allele origin: germline. Inheritance: X-linked inheritance. Observed: 2 variant alleles.
Comment: The Leu55Gln variant in EDA has not been reported in the literature nor previous ly identified by our laboratory. However, a different amino acid change at the s ame position (Leu55Arg) has been identified in a family with X-linked hypohidrot ic ectodermal dysplasia (Martinez 1999). In addition, this residue is conserved across mammals and computational analyses (PolyPhen2, SIFT) suggest that the Leu 55Gln variant may impact the protein. Furthermore, computational analysis predic t that changing the leucine (Leu) to a glutamine (Gln) at this position will hav e a similar biochemical effect as changing this amino acid to an arginine (Arg). In summary, this data suggests this variant is likely pathogenic.